The following is an entry in ClinVar:

NM_016343.4(CENPF):c.2265C>G (p.Asp755Glu)

Gene: CENPF (centromere protein F; plus strand). Cytogenetic location: 1q41.
Variant type: single nucleotide variant.
Coding change: c.2265C>G on transcript NM_016343.4 (MANE Select); coding-DNA position 2265, C replaced by G.
Protein change: p.Asp755Glu; replaces aspartic acid 755 with glutamic acid.
Molecular consequence: missense variant.
Genome position (GRCh38, 1-based): chr1:214,640,603, C>G. VCF-style: chr1-214640603-C-G. GRCh37 (hg19) VCF-style: chr1-214813946-C-G.
Other names: short protein forms D755E.
Identifiers: ClinVar variation 1307699 (VCV001307699.2), dbSNP rs763230881, ClinGen allele CA344820142.

ClinVar aggregate classification (germline): Uncertain significance (1 of 4 stars; one submission).

Submission:

GeneDx
Classification: Uncertain significance. Last evaluated: 2019-08-21. Review status: criteria provided, single submitter. Criteria: GeneDx Variant Classification Process June 2021. Collection method: clinical testing. Allele origin: germline. Affected: yes.
Comment: Not observed in large population cohorts (Lek et al., 2016); Has not been previously published as pathogenic or benign to our knowledge; In silico analysis, which includes protein predictors and evolutionary conservation, supports that this variant does not alter protein structure/function